The following is an entry in ClinVar:

ClinVar aggregate classification (germline): Benign/Likely benign. Review status: criteria provided, multiple submitters, no conflicts (2 of 4 stars). 3 submissions from 3 submitters: Benign (1); Likely benign (1). 1 of the submissions does not count toward it. Last evaluated 2025-06-24.

Conditions:
Inborn genetic diseases. Identifiers: MedGen C0950123, MeSH D030342.
RAI1-related disorder. Also called: RAI1-related condition.

Allele frequency attached by ClinVar (database versions not stated): gnomAD exomes 0.00002; TOPMed 0.00002; gnomAD 0.00003; ExAC 0.00007; 1000 Genomes Project 30x 0.00016; 1000 Genomes Project 0.00020.
gnomAD v4.1: 37 of 1,613,148 alleles (0.0023%); highest among the groups gnomAD compares: East Asian, 0.042%; no homozygotes.

Submissions (3):

Labcorp Genetics (formerly Invitae), Labcorp
Classification: Benign. Last evaluated: 2025-06-24. Review status: criteria provided, single submitter. Criteria: Invitae Variant Classification Sherloc (09022015). Collection method: clinical testing. Allele origin: germline.

Ambry Genetics
Classification: Likely benign for Inborn genetic diseases. Last evaluated: 2023-05-09. Review status: criteria provided, single submitter. Criteria: Ambry Variant Classification Scheme 2023. Collection method: clinical testing. Allele origin: germline.

PreventionGenetics, part of Exact Sciences
Classification: Likely benign for RAI1-related condition. Last evaluated: 2023-12-14. Review status: no assertion criteria provided. Collection method: clinical testing. Allele origin: germline. Not counted in ClinVar's aggregate classification.
Comment: This variant is classified as likely benign based on ACMG/AMP sequence variant interpretation guidelines (Richards et al. 2015 PMID: 25741868, with internal and published modifications).

NM_030665.4(RAI1):c.1450G>A (p.Glu484Lys)

Gene: RAI1 (retinoic acid induced 1; plus strand). Cytogenetic location: 17p11.2.
Variant type: single nucleotide variant.
Coding change: c.1450G>A on transcript NM_030665.4 (MANE Select); coding-DNA position 1450, G replaced by A.
Protein change: p.Glu484Lys; replaces glutamic acid 484 with lysine.
Molecular consequence: missense variant.
Genome position (GRCh38, 1-based): chr17:17,794,398, G>A. VCF-style: chr17-17794398-G-A. GRCh37 (hg19) VCF-style: chr17-17697712-G-A.
Other names: c.1450G>A (NM_030665.3); short protein forms E484K.
Identifiers: ClinVar variation 2194778 (VCV002194778.8), dbSNP rs566757282, ClinGen allele CA8418334.